The following is an entry in ClinVar:

NM_001458.5(FLNC):c.8171T>C (p.Val2724Ala)

Genes: FLNC (filamin C; plus strand), FLNC-AS1 (FLNC antisense RNA 1; minus strand). Cytogenetic location: 7q32.1.
Variant type: single nucleotide variant.
Coding change: c.8171T>C on transcript NM_001458.5 (MANE Select); coding-DNA position 8171, T replaced by C.
Protein change: p.Val2724Ala; replaces valine 2724 with alanine.
Molecular consequence: missense variant.
Genome position (GRCh38, 1-based): chr7:128,858,516, T>C. VCF-style: chr7-128858516-T-C. GRCh37 (hg19) VCF-style: chr7-128498570-T-C.
Other names: c.8072T>C, p.Val2691Ala (NM_001127487.2); short protein forms V2691A, V2724A.
Identifiers: ClinVar variation 1034866 (VCV001034866.10), dbSNP rs770027151, ClinGen allele CA4476439.

ClinVar aggregate classification (germline): Uncertain significance. Review status: criteria provided, multiple submitters, no conflicts (2 of 4 stars). 2 submissions from 2 submitters: Uncertain significance (2). Last evaluated 2023-06-08.

Conditions:
Myofibrillar myopathy 5. Also called: Filaminopathy (type); FILAMINOPATHY, AUTOSOMAL DOMINANT. Identifiers: Orphanet 171445, MedGen C1836050, MONDO:0012289, OMIM 609524.
Distal myopathy with posterior leg and anterior hand involvement. Also called: WILLIAMS DISTAL MYOPATHY. Identifiers: Orphanet 63273, MedGen C3279722, MONDO:0013550, OMIM 614065.
Hypertrophic cardiomyopathy 26. Also called: Cardiomyopathy, familial hypertrophic, 26. Identifiers: Orphanet 75249, MedGen C4310749, MONDO:0014883, OMIM 617047.

Allele frequency attached by ClinVar (database versions not stated): gnomAD exomes below 0.00001; ExAC 0.00001.
gnomAD v4.1: 1 of 1,612,504 alleles (0.000062%); highest among the groups gnomAD compares: Non-Finnish European, 0.000085%; no homozygotes.

Submissions (2):

Blueprint Genetics
Classification: Uncertain significance. Last evaluated: 2023-06-08. Review status: criteria provided, single submitter. Criteria: ACMG Guidelines, 2015. Collection method: clinical testing. Allele origin: germline.

Labcorp Genetics (formerly Invitae), Labcorp
Classification: Uncertain significance for Distal myopathy with posterior leg and anterior hand involvement; Myofibrillar myopathy 5; Hypertrophic cardiomyopathy 26. Last evaluated: 2022-09-01. Review status: criteria provided, single submitter. Criteria: Invitae Variant Classification Sherloc (09022015). Collection method: clinical testing. Allele origin: germline.
Comment: This variant is present in population databases (rs770027151, gnomAD 0.0009%). In summary, the available evidence is currently insufficient to determine the role of this variant in disease. Therefore, it has been classified as a Variant of Uncertain Significance. Algorithms developed to predict the effect of missense changes on protein structure and function (SIFT, PolyPhen-2, Align-GVGD) all suggest that this variant is likely to be tolerated. ClinVar contains an entry for this variant (Variation ID: 1034866). This variant has not been reported in the literature in individuals affected with FLNC-related conditions. This sequence change replaces valine, which is neutral and non-polar, with alanine, which is neutral and non-polar, at codon 2724 of the FLNC protein (p.Val2724Ala).